The following is an entry in ClinVar:

ClinVar aggregate classification (germline): Uncertain significance (1 of 4 stars; one submission).

Conditions:
CPE-related disorder. Also called: CPE-related condition.

gnomAD v4.1: 11 of 1,613,972 alleles (0.00068%); highest among the groups gnomAD compares: Non-Finnish European, 0.00085%; no homozygotes.

Submission:

PreventionGenetics, part of Exact Sciences
Classification: Uncertain significance for CPE-related condition. Last evaluated: 2026-06-29. Review status: criteria provided, single submitter. Criteria: ACMG Guidelines, 2015. Collection method: clinical testing. Allele origin: germline.
Comment: The CPE c.1075G>A variant is predicted to result in the amino acid substitution p.Glu359Lys. To our knowledge, this variant has not been reported in the literature or in a large population database (gnomAD), indicating this variant is rare. At this time, the clinical significance of this variant is uncertain due to the absence of conclusive functional and genetic evidence.

NM_001873.4(CPE):c.1075G>A (p.Glu359Lys)

Gene: CPE (carboxypeptidase E; plus strand). Cytogenetic location: 4q32.3.
Variant type: single nucleotide variant.
Coding change: c.1075G>A on transcript NM_001873.4 (MANE Select); coding-DNA position 1075, G replaced by A.
Protein change: p.Glu359Lys; replaces glutamic acid 359 with lysine.
Molecular consequence: missense variant.
Genome position (GRCh38, 1-based): chr4:165,487,539, G>A. VCF-style: chr4-165487539-G-A. GRCh37 (hg19) VCF-style: chr4-166408691-G-A.
Other names: short protein forms E359K.
Identifiers: ClinVar variation 5001418 (VCV005001418.1).
Genomic context (GRCh38, chr4:165,487,539, plus strand): 5'-ATCACCGTGGAGCTTAGCTGTGAGAAGTTCCCACCTGAAGAGACTCTGAAGACCTACTGG[G>A]AGGATAACAAAAACTCCCTCATTAGCTACCTTGAGCAGGTAAACACAGTCCCCAGCATAA-3'
Protein context (NP_001864.1, residues 349-369): PPEETLKTYW[Glu359Lys]DNKNSLISYL